The following is an entry in ClinVar:

NM_032043.3(BRIP1):c.2303G>T (p.Gly768Val)

Gene: BRIP1 (BRCA1 interacting DNA helicase 1; minus strand). Cytogenetic location: 17q23.2.
Variant type: single nucleotide variant.
Coding change: c.2303G>T on transcript NM_032043.3 (MANE Select); coding-DNA position 2303, G replaced by T.
Protein change: p.Gly768Val; replaces glycine 768 with valine.
Molecular consequence: missense variant.
Genome position (GRCh38, 1-based): chr17:61,743,089, C>A on the plus strand (G>T on the coding strand, the complement: BRIP1 is on the minus strand). VCF-style: chr17-61743089-C-A. GRCh37 (hg19) VCF-style: chr17-59820450-C-A.
Other names: short protein forms G768V.
Identifiers: ClinVar variation 821003 (VCV000821003.17), dbSNP rs1603303846, ClinGen allele CA400482675.

ClinVar aggregate classification (germline): Uncertain significance. Review status: criteria provided, multiple submitters, no conflicts (2 of 4 stars). 4 submissions from 4 submitters: Uncertain significance (4). Last evaluated 2025-01-31.

Conditions:
Hereditary cancer-predisposing syndrome. Also called: Hereditary Cancer Syndrome; Neoplastic Syndromes, Hereditary; Tumor predisposition; Hereditary neoplastic syndrome. Identifiers: Orphanet 140162, MedGen C0027672, MeSH D009386, MONDO:0015356.
Familial cancer of breast. Also called: hereditary breast carcinoma; Hereditary breast cancer; BREAST CANCER, FAMILIAL. Identifiers: Orphanet 227535, MedGen C0346153, MONDO:0016419, OMIM 114480. Disease mechanism: loss of function.
Fanconi anemia complementation group J. Also called: BRIP1-Related Fanconi Anemia. Identifiers: Orphanet 84, MedGen C1836860, MONDO:0012187, OMIM 609054.

Submissions (4):

Dasa
Classification: Uncertain significance. Last evaluated: 2025-01-31. Review status: criteria provided, single submitter. Criteria: DASA Assertion Criteria. Collection method: clinical testing. Allele origin: germline.
Comment: NM_032043.3(BRIP1):c.2303G>T (p.Gly768Val) is a missense variant that results in the substitution of glycine with valine. This variant is absent from population databases. Computational prediction algorithms are consistent with a deleterious effect. The currently available literature and clinical evidence are not sufficient to establish a definitive association between this variant and the reported condition. Therefore, this variant is classified as a variant of uncertain significance.

Ambry Genetics
Classification: Uncertain significance for Hereditary cancer-predisposing syndrome. Last evaluated: 2024-08-12. Review status: criteria provided, single submitter. Criteria: Ambry Variant Classification Scheme 2023. Collection method: clinical testing. Allele origin: germline.
Comment: The p.G768V variant (also known as c.2303G>T), located in coding exon 15 of the BRIP1 gene, results from a G to T substitution at nucleotide position 2303. The glycine at codon 768 is replaced by valine, an amino acid with dissimilar properties. This amino acid position is highly conserved in available vertebrate species. In addition, this alteration is predicted to be deleterious by in silico analysis. Since supporting evidence is limited at this time, the clinical significance of this alteration remains unclear.

Baylor Genetics
Classification: Uncertain significance for Familial cancer of breast. Last evaluated: 2024-01-17. Review status: criteria provided, single submitter. Criteria: ACMG Guidelines, 2015. Collection method: clinical testing. Allele origin: unknown.

Labcorp Genetics (formerly Invitae), Labcorp
Classification: Uncertain significance for Familial cancer of breast; Fanconi anemia complementation group J. Last evaluated: 2021-05-02. Review status: criteria provided, single submitter. Criteria: Invitae Variant Classification Sherloc (09022015). Collection method: clinical testing. Allele origin: germline.
Comment: In summary, the available evidence is currently insufficient to determine the role of this variant in disease. Therefore, it has been classified as a Variant of Uncertain Significance. Algorithms developed to predict the effect of missense changes on protein structure and function (SIFT, PolyPhen-2, Align-GVGD) all suggest that this variant is likely to be disruptive, but these predictions have not been confirmed by published functional studies and their clinical significance is uncertain. This variant has not been reported in the literature in individuals with BRIP1-related conditions. ClinVar contains an entry for this variant (Variation ID: 821003). This variant is not present in population databases (ExAC no frequency). This sequence change replaces glycine with valine at codon 768 of the BRIP1 protein (p.Gly768Val). The glycine residue is highly conserved and there is a moderate physicochemical difference between glycine and valine.